The following is an entry in ClinVar:

NR_002196.3(H19):n.1418C>T

Genes: H19 (H19 imprinted maternally expressed transcript; minus strand), MRPL23 (mitochondrial ribosomal protein L23; plus strand). Cytogenetic location: 11p15.5.
Variant type: single nucleotide variant.
Molecular consequence: non-coding transcript variant (on NR_002196.3). On other transcripts: intron variant (1).
Genome position: GRCh38 VCF-style: chr11-1996329-G-A. GRCh37 (hg19) VCF-style: chr11-2017559-G-A.
Other names: c.498-15212G>A (NM_001400176.1).
Identifiers: ClinVar variation 4989541 (VCV004989541.1).

ClinVar aggregate classification (germline): Likely benign (1 of 4 stars; one submission).

Conditions:
H19-related disorder. Also called: H19-related condition.

Submission:

PreventionGenetics, part of Exact Sciences
Classification: Likely benign for H19-related condition. Last evaluated: 2026-05-29. Review status: criteria provided, single submitter. Criteria: ACMG Guidelines, 2015. Collection method: clinical testing. Allele origin: germline.
Comment: This variant is classified as likely benign based on ACMG/AMP sequence variant interpretation guidelines (Richards et al. 2015 PMID: 25741868, with internal and published modifications).